The following is an entry in ClinVar:

ClinVar aggregate classification (germline): Conflicting classifications of pathogenicity. Review status: criteria provided, conflicting classifications (1 of 4 stars). 3 submissions from 3 submitters: Pathogenic (1); Likely pathogenic (1); Uncertain significance (1). Last evaluated 2022-09-10.

Conditions:
KBG syndrome (KBGS). Also called: ANKRD11-Related KBG Syndrome. Identifiers: Orphanet 2332, MedGen C0220687, MONDO:0007846, OMIM 148050.

Allele frequency attached by ClinVar (database versions not stated): ESP Exome Variant Server 0.00008; gnomAD 0.00001; gnomAD exomes 0.00001; TOPMed 0.00001.

Submissions (3):

Genetics Laboratory, Department of Biology, Semnan University
Classification: Pathogenic for KBG syndrome. Last evaluated: 2022-09-10. Review status: criteria provided, single submitter. Criteria: ACMG Guidelines, 2015. Collection method: research. Allele origin: germline. Inheritance: Autosomal dominant inheritance. Affected: yes. Observed: 1 variant allele, 1 heterozygote.
Comment: The identified variant leads to the substitution of Alanine 2584 with Threonine (A2584T) in the ANKRD11 protein. Hence, this substitution could alter the amino acid sequence and could leads to a decreased function of mutated protein.

Labcorp Genetics (formerly Invitae), Labcorp
Classification: Uncertain significance for KBG syndrome. Last evaluated: 2022-08-24. Review status: criteria provided, single submitter. Criteria: Invitae Variant Classification Sherloc (09022015). Collection method: clinical testing. Allele origin: germline.
Comment: This sequence change replaces alanine, which is neutral and non-polar, with threonine, which is neutral and polar, at codon 2584 of the ANKRD11 protein (p.Ala2584Thr). This variant is present in population databases (rs150393722, gnomAD 0.003%). This variant has not been reported in the literature in individuals affected with ANKRD11-related conditions. ClinVar contains an entry for this variant (Variation ID: 1335967). Algorithms developed to predict the effect of missense changes on protein structure and function are either unavailable or do not agree on the potential impact of this missense change (SIFT: "Deleterious"; PolyPhen-2: "Probably Damaging"; Align-GVGD: "Class C0"). In summary, the available evidence is currently insufficient to determine the role of this variant in disease. Therefore, it has been classified as a Variant of Uncertain Significance.

Genetic Services Laboratory, University of Chicago
Classification: Likely pathogenic. Last evaluated: 2018-03-30. Review status: criteria provided, single submitter. Criteria: ACMG Guidelines, 2015. Collection method: clinical testing. Allele origin: germline. Affected: yes.

Literature cited by the submitters: DOI 10.3389/fgene.2020.579805 (cited by Genetics Laboratory, Department of Biology, Semnan University).

NM_013275.6(ANKRD11):c.7750G>A (p.Ala2584Thr)

Gene: ANKRD11 (ankyrin repeat domain 11; minus strand). Cytogenetic location: 16q24.3.
Variant type: single nucleotide variant.
Coding change: c.7750G>A on transcript NM_013275.6 (MANE Select); coding-DNA position 7750, G replaced by A.
Protein change: p.Ala2584Thr; replaces alanine 2584 with threonine.
Molecular consequence: missense variant.
Genome position (GRCh38, 1-based): chr16:89,270,873, C>T on the plus strand (G>A on the coding strand, the complement: ANKRD11 is on the minus strand). VCF-style: chr16-89270873-C-T. GRCh37 (hg19) VCF-style: chr16-89337281-C-T.
Other names: c.7750G>A, p.Ala2584Thr (NM_001256182.2, NM_001256183.2); short protein forms A2584T.
Identifiers: ClinVar variation 1335967 (VCV001335967.9), dbSNP rs150393722, ClinGen allele CA286504588.
Genomic context (GRCh38, chr16:89,270,873, plus strand): 5'-CGACCTTCATGCGGTCATACTTGTCATCCACGTCCTGGAGCCAGGAGATGAACTGGCGGG[C>T]GTTGAAACGGTCGCGCACTGACTTGTTCTCGTCACCCTGTGGAAACCAAACACGGGAGTT-3'
Protein context (NP_037407.4, residues 2574-2594): ENKSVRDRFN[Ala2584Thr]RQFISWLQDV